The following is an entry in ClinVar:

ClinVar aggregate classification (germline): Uncertain significance (1 of 4 stars; one submission).

Conditions:
SCN2A-related disorder. Also called: SCN2A-related condition; SCN2A-related disorders. Identifiers: MedGen CN382226, MONDO:1060245.

Submission:

PreventionGenetics, part of Exact Sciences
Classification: Uncertain significance for SCN2A-related condition. Last evaluated: 2025-11-25. Review status: criteria provided, single submitter. Criteria: ACMG Guidelines, 2015. Collection method: clinical testing. Allele origin: germline.
Comment: The SCN2A c.1363A>G variant is predicted to result in the amino acid substitution p.Lys455Glu. To our knowledge, this variant has not been reported in the literature or in a large population database (gnomAD), indicating this variant is rare. At this time, the clinical significance of this variant is uncertain due to the absence of conclusive functional and genetic evidence.

NM_001040142.2(SCN2A):c.1363A>G (p.Lys455Glu)

Gene: SCN2A (sodium voltage-gated channel alpha subunit 2; plus strand). Cytogenetic location: 2q24.3.
Variant type: single nucleotide variant.
Coding change: c.1363A>G on transcript NM_001040142.2 (MANE Select); coding-DNA position 1363, A replaced by G.
Protein change: p.Lys455Glu; replaces lysine 455 with glutamic acid.
Molecular consequence: missense variant.
Genome position (GRCh38, 1-based): chr2:165,314,088, A>G. VCF-style: chr2-165314088-A-G. GRCh37 (hg19) VCF-style: chr2-166170598-A-G.
Other names: c.1363A>G, p.Lys455Glu (NM_001040143.2, NM_001371246.1, NM_001371247.1 and 1 more transcripts); short protein forms K455E.
Identifiers: ClinVar variation 4985425 (VCV004985425.1).
Genomic context (GRCh38, chr2:165,314,088, plus strand): 5'-ACATTGGAAGAGGCTGAACAGAAGGAAGCTGAATTTCAGCAGATGCTCGAACAGTTGAAA[A>G]AGCAACAAGAAGAAGCTCAGGTATAGTGAACAAGCATACGGTCCTTTGTTTTTCTTTATC-3'
Protein context (NP_001035232.1, residues 445-465): EFQQMLEQLK[Lys455Glu]QQEEAQAAAA